The following is an entry in ClinVar:

ClinVar aggregate classification (germline): Likely benign. Review status: criteria provided, multiple submitters, no conflicts (2 of 4 stars). 4 submissions from 4 submitters: Likely benign (4). Last evaluated 2026-09-01.

Conditions:
Cardiovascular phenotype. Identifiers: MedGen CN230736.
Dilated cardiomyopathy 1G (CMD1G). Identifiers: Orphanet 154, MedGen C1858763, MONDO:0011400, OMIM 604145.
Autosomal recessive limb-girdle muscular dystrophy type 2J (LGMDR10). Also called: Limb-girdle muscular dystrophy, type 2J; MUSCULAR DYSTROPHY, LIMB-GIRDLE, AUTOSOMAL RECESSIVE 10. Identifiers: Orphanet 140922, MedGen C1837342, MONDO:0012127, OMIM 608807.

Allele frequency attached by ClinVar (database versions not stated): gnomAD 0.00002; gnomAD exomes 0.00002; ExAC 0.00003; TOPMed 0.00003; ESP Exome Variant Server 0.00008.
gnomAD v4.1: 21 of 1,514,588 alleles (0.0014%); highest among the groups gnomAD compares: East Asian, 0.0046%; no homozygotes.

Submissions (4):

CeGaT Center for Human Genetics Tuebingen
Classification: Likely benign. Last evaluated: 2026-09-01. Review status: criteria provided, single submitter. Criteria: CeGaT Center For Human Genetics Tuebingen Variant Classification Criteria Version 2. Collection method: clinical testing. Allele origin: germline. Affected: yes. Observed: 1 variant allele.
Comment: TTN: BP4, BP7

Labcorp Genetics (formerly Invitae), Labcorp
Classification: Likely benign for Dilated cardiomyopathy 1G; Autosomal recessive limb-girdle muscular dystrophy type 2J. Last evaluated: 2025-12-09. Review status: criteria provided, single submitter. Criteria: Invitae Variant Classification Sherloc (09022015). Collection method: clinical testing. Allele origin: germline.

Women's Health and Genetics/Laboratory Corporation of America, LabCorp
Classification: Likely benign. Last evaluated: 2022-04-25. Review status: criteria provided, single submitter. Criteria: LabCorp Variant Classification Summary - May 2015. Collection method: clinical testing. Allele origin: germline.
Comment: Variant summary: TTN c.64971G>A alters a conserved nucleotide resulting in a synonymous change. 4/4 computational tools predict no significant impact on normal splicing. However, these predictions have yet to be confirmed by functional studies. The variant allele was found at a frequency of 2.3e-05 in 173208 control chromosomes (gnomAD). The available data on variant occurrences in the general population are insufficient to allow any conclusion about variant significance. To our knowledge, no occurrence of c.64971G>A in individuals affected with Dilated Cardiomyopathy and no experimental evidence demonstrating its impact on protein function have been reported. A co-occurrence with a pathogenic variant has been reported (MYBPC3 c.913_914delTT, p.Phe305ProfsX27; Internal testing), providing supporting evidence for a benign role. A ClinVar submitter (evaluation after 2014) cites the variant as likely benign. Based on the evidence outlined above, the variant was classified as likely benign.

Ambry Genetics
Classification: Likely benign for Cardiovascular phenotype. Last evaluated: 2021-07-18. Review status: criteria provided, single submitter. Criteria: Ambry Variant Classification Scheme 2023. Collection method: clinical testing. Allele origin: germline.

NM_001267550.2(TTN):c.72675G>A (p.Pro24225=)

Genes: TTN (titin; minus strand), TTN-AS1 (TTN antisense RNA 1; plus strand). Cytogenetic location: 2q31.2.
Variant type: single nucleotide variant.
Coding change: c.72675G>A on transcript NM_001267550.2 (MANE Select); coding-DNA position 72675, G replaced by A.
Protein change: p.Pro24225=; no amino-acid change (proline 24225 retained).
Molecular consequence: synonymous variant.
Genome position (GRCh38, 1-based): chr2:178,573,457, C>T on the plus strand (G>A on the coding strand, the complement: TTN is on the minus strand). VCF-style: chr2-178573457-C-T. GRCh37 (hg19) VCF-style: chr2-179438184-C-T.
Other names: c.67752G>A, p.Pro22584= (NM_001256850.1); c.45480G>A, p.Pro15160= (NM_003319.4); c.64971G>A, p.Pro21657= (NM_133378.4); c.45855G>A, p.Pro15285= (NM_133432.3); c.46056G>A, p.Pro15352= (NM_133437.4).
Identifiers: ClinVar variation 1154251 (VCV001154251.12), dbSNP rs374314698, ClinGen allele CA1990473.